The following is an entry in ClinVar:

NM_005051.3(QARS1):c.1863+14G>T

Gene: QARS1 (glutaminyl-tRNA synthetase 1; minus strand). Cytogenetic location: 3p21.31.
Variant type: single nucleotide variant.
Coding change: c.1863+14G>T on transcript NM_005051.3 (MANE Select); 14 bases into the intron after coding-DNA position 1863, G replaced by T.
Molecular consequence: intron variant.
Genome position (GRCh38, 1-based): chr3:49,098,871, C>A on the plus strand (G>T on the coding strand, the complement: QARS1 is on the minus strand). VCF-style: chr3-49098871-C-A. GRCh37 (hg19) VCF-style: chr3-49136304-C-A.
Other names: c.1830+14G>T (NM_001272073.2).
Identifiers: ClinVar variation 382422 (VCV000382422.1), dbSNP rs1057521351, ClinGen allele CA16604962.

ClinVar aggregate classification (germline): Likely benign (1 of 4 stars; one submission).

Allele frequency attached by ClinVar (database versions not stated): gnomAD exomes below 0.00001.
gnomAD v4.1: 1 of 1,599,246 alleles (0.000063%); highest among the groups gnomAD compares: Non-Finnish European, 0.000086%; no homozygotes.

Submission:

GeneDx
Classification: Likely benign. Last evaluated: 2016-02-04. Review status: criteria provided, single submitter. Criteria: GeneDx Variant Classification (06012015). Collection method: clinical testing. Allele origin: germline. Affected: yes.
Comment: This variant is considered likely benign or benign based on one or more of the following criteria: it is a conservative change, it occurs at a poorly conserved position in the protein, it is predicted to be benign by multiple in silico algorithms, and/or has population frequency not consistent with disease.